The following is an entry in ClinVar:

NM_015629.4(PRPF31):c.2T>A (p.Met1Lys)

Gene: PRPF31 (pre-mRNA processing factor 31; plus strand). Cytogenetic location: 19q13.42.
Variant type: single nucleotide variant.
Coding change: c.2T>A on transcript NM_015629.4 (MANE Select); coding-DNA position 2, T replaced by A.
Protein change: p.Met1Lys; changes the start codon (methionine 1).
Molecular consequence: missense variant, initiator codon variant.
Genome position (GRCh38, 1-based): chr19:54,118,280, T>A. VCF-style: chr19-54118280-T-A. GRCh37 (hg19) VCF-style: chr19-54621660-T-A.
Other names: short protein forms M1K.
Identifiers: ClinVar variation 1457892 (VCV001457892.7), dbSNP rs2146392500, ClinGen allele CA407788928.
Genomic context (GRCh38, chr19:54,118,280, plus strand): 5'-GAGGGACTTTGTCGGGGCAAGTTTTTAGGGAACGCTGCTGTCCCTCCCCAGGCCTCGGGA[T>A]GTCTCTGGCAGATGAGCTCTTAGCTGATCTCGAAGAGGCAGCAGAAGAGGAGGAAGGAGG-3'
Protein context (NP_056444.3, residues 1-11): [Met1Lys]SLADELLADL

ClinVar aggregate classification (germline): Pathogenic (1 of 4 stars; one submission).

Submission:

Labcorp Genetics (formerly Invitae), Labcorp
Classification: Pathogenic. Last evaluated: 2024-02-23. Review status: criteria provided, single submitter. Criteria: Invitae Variant Classification Sherloc (09022015). Collection method: clinical testing. Allele origin: germline.
Comment: This sequence change affects the initiator methionine of the PRPF31 mRNA. The next in-frame methionine is located at codon 59. This variant is not present in population databases (gnomAD no frequency). Disruption of the initiator codon has been observed in individuals with clinical features of retinitis pigmentosa (PMID: 28041643; Invitae). It has also been observed to segregate with disease in related individuals. ClinVar contains an entry for this variant (Variation ID: 1457892). This variant disrupts a region of the PRPF31 protein in which other variant(s) (p.Leu41Val) have been observed in individuals with PRPF31-related conditions (PMID: 27208204). This suggests that this is a clinically significant region of the protein, and that variants that disrupt it are likely to be disease-causing. For these reasons, this variant has been classified as Pathogenic.

Literature cited by the submitters: PubMed 28041643; PubMed 27208204.